The following is an entry in ClinVar:

ClinVar aggregate classification (germline): Likely benign (1 of 4 stars; one submission).

gnomAD v4.1: 2 of 398,768 alleles (0.0005%); highest among the groups gnomAD compares: Admixed American, 0.0044%; no homozygotes.

Submission:

CeGaT Center for Human Genetics Tuebingen
Classification: Likely benign. Last evaluated: 2022-08-01. Review status: criteria provided, single submitter. Criteria: CeGaT Center For Human Genetics Tuebingen Variant Classification Criteria Version 2. Collection method: clinical testing. Allele origin: germline. Affected: yes. Observed: 1 variant allele.
Comment: CERT1: PM2:Supporting, BP4, BP7

NM_001379002.1(CERT1):c.*9+5291A>G

Gene: CERT1 (ceramide transporter 1; minus strand). Cytogenetic location: 5q13.3.
Variant type: single nucleotide variant.
Coding change: c.*9+5291A>G on transcript NM_001379002.1; 5291 bases into the intron after 9 bases downstream of the stop codon, A replaced by G.
Molecular consequence: intron variant. On other transcripts: 3 prime UTR variant (3), synonymous variant (1).
Genome position (GRCh38, 1-based): chr5:75,374,046, T>C on the plus strand (A>G on the coding strand, the complement: CERT1 is on the minus strand). VCF-style: chr5-75374046-T-C. GRCh37 (hg19) VCF-style: chr5-74669871-T-C.
Other names: c.*155A>G (NM_001130105.1, NM_005713.3, NM_031361.3); c.1815A>G, p.Gln605= (NM_001379004.1); c.*9+5291A>G (NM_001379003.1).
Identifiers: ClinVar variation 2655535 (VCV002655535.22), dbSNP rs1257682813, ClinGen allele CA813937704.